The following is an entry in ClinVar:

ClinVar aggregate classification (germline): Uncertain significance (1 of 4 stars; one submission).

Conditions:
Hereditary cancer-predisposing syndrome. Also called: Neoplastic Syndromes, Hereditary; Hereditary Cancer Syndrome; Tumor predisposition; Hereditary neoplastic syndrome. Identifiers: Orphanet 140162, MedGen C0027672, MeSH D009386, MONDO:0015356.

Submission:

Ambry Genetics
Classification: Uncertain significance for Hereditary cancer-predisposing syndrome. Last evaluated: 2024-12-23. Review status: criteria provided, single submitter. Criteria: Ambry Variant Classification Scheme 2023. Collection method: clinical testing. Allele origin: germline.
Comment: The c.-4G>A variant is located in the 5' untranslated region (5&rsquo; UTR) of the SMARCA4 gene. This variant results from a G to A substitution 4 bases upstream from the first translated codon. This nucleotide position is not well conserved in available vertebrate species. Based on the available evidence, the clinical significance of this variant remains unclear.

NM_003072.5(SMARCA4):c.-4G>A

Gene: SMARCA4 (SWI/SNF related BAF chromatin remodeling complex subunit ATPase 4; plus strand). Cytogenetic location: 19p13.2.
Variant type: single nucleotide variant.
Coding change: c.-4G>A on transcript NM_003072.5 (MANE Select); 4 bases upstream of the start codon, G replaced by A.
Molecular consequence: 5 prime UTR variant. On other transcripts: non-coding transcript variant (1).
Genome position (GRCh38, 1-based): chr19:10,984,148, G>A. VCF-style: chr19-10984148-G-A. GRCh37 (hg19) VCF-style: chr19-11094824-G-A.
Other names: c.-4G>A (NM_001128844.3, NM_001128845.2, NM_001128846.2 and 6 more transcripts).
Identifiers: ClinVar variation 3798876 (VCV003798876.1).
Genomic context (GRCh38, chr19:10,984,148, plus strand): 5'-ATGAACCCCAGACTGACCAGGACTGTCTTCCAGCAGGAGGCCACTGTCTGCAGCTCCCGT[G>A]AAGATGTCCACTCCAGACCCACCCCTGGGCGGAACTCCTCGGCCAGGTCCTTCCCCGGGC-3'